The following is an entry in ClinVar:

NM_004260.4(RECQL4):c.1972G>A (p.Val658Met)

Gene: RECQL4 (RecQ like helicase 4; minus strand). Cytogenetic location: 8q24.3.
Variant type: single nucleotide variant.
Coding change: c.1972G>A on transcript NM_004260.4 (MANE Select); coding-DNA position 1972, G replaced by A.
Protein change: p.Val658Met; replaces valine 658 with methionine.
Molecular consequence: missense variant.
Genome position (GRCh38, 1-based): chr8:144,514,014, C>T on the plus strand (G>A on the coding strand, the complement: RECQL4 is on the minus strand). VCF-style: chr8-144514014-C-T. GRCh37 (hg19) VCF-style: chr8-145739398-C-T.
Other names: short protein forms V658M.
Identifiers: ClinVar variation 406963 (VCV000406963.9), dbSNP rs373608888, ClinGen allele CA4948557.

ClinVar aggregate classification (germline): Uncertain significance. Review status: criteria provided, multiple submitters, no conflicts (2 of 4 stars). 2 submissions from 2 submitters: Uncertain significance (2). Last evaluated 2025-09-21.

Conditions:
Inborn genetic diseases. Identifiers: MedGen C0950123, MeSH D030342.
Baller-Gerold syndrome (BGS). Also called: CRANIOSYNOSTOSIS WITH RADIAL DEFECTS. Identifiers: Orphanet 1225, MedGen C0265308, MONDO:0009039, OMIM 218600.

Allele frequency attached by ClinVar (database versions not stated): gnomAD exomes 0.00001 and 0.00002; gnomAD 0.00002; TOPMed 0.00002; ExAC 0.00008; ESP Exome Variant Server 0.00008.
gnomAD v4.1: 17 of 1,570,840 alleles (0.0011%); highest among the groups gnomAD compares: East Asian, 0.0024%; no homozygotes.

Submissions (2):

Labcorp Genetics (formerly Invitae), Labcorp
Classification: Uncertain significance for Baller-Gerold syndrome. Last evaluated: 2025-09-21. Review status: criteria provided, single submitter. Criteria: Invitae Variant Classification Sherloc (09022015). Collection method: clinical testing. Allele origin: germline.
Comment: This sequence change replaces valine, which is neutral and non-polar, with methionine, which is neutral and non-polar, at codon 658 of the RECQL4 protein (p.Val658Met). The frequency data for this variant in the population databases is considered unreliable, as metrics indicate poor data quality at this position in the gnomAD database. This variant has not been reported in the literature in individuals affected with RECQL4-related conditions. ClinVar contains an entry for this variant (Variation ID: 406963). Invitae Evidence Modeling of protein sequence and biophysical properties (such as structural, functional, and spatial information, amino acid conservation, physicochemical variation, residue mobility, and thermodynamic stability) indicates that this missense variant is not expected to disrupt RECQL4 protein function with a negative predictive value of 80%. In summary, the available evidence is currently insufficient to determine the role of this variant in disease. Therefore, it has been classified as a Variant of Uncertain Significance.

Ambry Genetics
Classification: Uncertain significance for Inborn genetic diseases. Last evaluated: 2024-12-12. Review status: criteria provided, single submitter. Criteria: Ambry Variant Classification Scheme 2023. Collection method: clinical testing. Allele origin: germline.
Comment: The p.V658M variant (also known as c.1972G>A), located in coding exon 12 of the RECQL4 gene, results from a G to A substitution at nucleotide position 1972. The valine at codon 658 is replaced by methionine, an amino acid with highly similar properties. This amino acid position is conserved. In addition, this alteration is predicted to be tolerated by in silico analysis. Based on the available evidence, the clinical significance of this variant remains unclear.